The following is an entry in ClinVar:

NM_005476.7(GNE):c.38G>C (p.Cys13Ser)

Gene: GNE (glucosamine (UDP-N-acetyl)-2-epimerase/N-acetylmannosamine kinase; minus strand). Cytogenetic location: 9p13.3.
Variant type: single nucleotide variant.
Coding change: c.38G>C on transcript NM_005476.7 (MANE Select); coding-DNA position 38, G replaced by C.
Protein change: p.Cys13Ser; replaces cysteine 13 with serine.
Molecular consequence: missense variant. On other transcripts: intron variant (3).
Genome position (GRCh38, 1-based): chr9:36,249,318, C>G on the plus strand (G>C on the coding strand, the complement: GNE is on the minus strand). VCF-style: chr9-36249318-C-G. GRCh37 (hg19) VCF-style: chr9-36249315-C-G.
Other names: c.131G>C, p.Cys44Ser (NM_001128227.3); c.38G>C, p.Cys13Ser (NM_001190383.3, NM_001374797.1); c.-13-2836G>C (NM_001190388.2, NM_001190384.3, NM_001374798.1); short protein forms C13S, C44S.
Identifiers: ClinVar variation 496947 (VCV000496947.19), dbSNP rs1209266607, ClinGen allele CA373422109.
Genomic context (GRCh38, chr9:36,249,318, plus strand): 5'-TTAATGCCAAACATGATCGGGGCAAGTTTAGAATAATCTGCACGGTTACAAGTAGCAACA[C>G]AAACCCGCAGCTTTCGGTTATTTCCATTCTTCTCCATGATTTGCTTGTTTCGTTTTGAGA-3'
Protein context (NP_005467.1, residues 3-23): KNGNNRKLRV[Cys13Ser]VATCNRADYS

ClinVar aggregate classification (germline): Pathogenic. Review status: criteria provided, multiple submitters, no conflicts (2 of 4 stars). 8 submissions from 8 submitters: Pathogenic (5). 3 of the submissions do not count toward it. Last evaluated 2026-01-22.

Conditions:
Sialuria. Also called: SIALURIA, FRENCH TYPE; Sialic Acid Storage Disease. Identifiers: Orphanet 3166, MedGen C0342853, MONDO:0010028, OMIM 269921.
GNE myopathy (NM). Also called: INCLUSION BODY MYOPATHY, HEREDITARY, AUTOSOMAL RECESSIVE; INCLUSION BODY MYOPATHY 2, AUTOSOMAL RECESSIVE; IBM 2; Inclusion body myopathy autosomal recessive; Inclusion body myopathy quadriceps sparing; NONAKA DISTAL MYOPATHY. Identifiers: Orphanet 602, MedGen C1853926, MONDO:0011603, OMIM 605820.

Allele frequency attached by ClinVar (database versions not stated): gnomAD exomes below 0.00001; gnomAD 0.00001.
gnomAD v4.1: 2 of 1,613,940 alleles (0.00012%); highest among the groups gnomAD compares: East Asian, 0.0045%; no homozygotes.

Submissions (8):

Natera, Inc.
Classification: Pathogenic for Nonaka myopathy. Last evaluated: 2026-01-22. Review status: criteria provided, single submitter. Criteria: Natera Variant Classification Schema (03/2026). Collection method: clinical testing. Allele origin: germline.
Comment: The c.131G>C variant in GNE is a missense variant predicted to cause substitution of cysteine to serine at amino acid 44. This variant is rare in the general population with a frequency below the threshold expected for the associated phenotype(s). This variant has been observed in one or more individuals affected with the associated recessive disease, as either homozygous or compound heterozygous with a second variant (PMID: 31286697). Computational prediction algorithms indicate this variant is likely to affect gene or protein function. Given the available evidence, this variant is classified as Pathogenic.

Labcorp Genetics (formerly Invitae), Labcorp
Classification: Pathogenic for Sialuria; GNE myopathy. Last evaluated: 2024-02-25. Review status: criteria provided, single submitter. Criteria: Invitae Variant Classification Sherloc (09022015). Collection method: clinical testing. Allele origin: germline.
Comment: This sequence change replaces cysteine, which is neutral and slightly polar, with serine, which is neutral and polar, at codon 44 of the GNE protein (p.Cys44Ser). This variant is not present in population databases (gnomAD no frequency). This missense change has been observed in individuals with autosomal recessive distal myopathy with rimmed vacuoles (DMRV) (PMID: 14707127, 14733962, 22507750, 27363342, 28403181, 30390020, 31286697). ClinVar contains an entry for this variant (Variation ID: 496947). Advanced modeling of protein sequence and biophysical properties (such as structural, functional, and spatial information, amino acid conservation, physicochemical variation, residue mobility, and thermodynamic stability) has been performed at Invitae for this missense variant, however the output from this modeling did not meet the statistical confidence thresholds required to predict the impact of this variant on GNE protein function. Experimental studies have shown that this missense change affects GNE function (PMID: 14707127). For these reasons, this variant has been classified as Pathogenic.

Baylor Genetics
Classification: Pathogenic for GNE myopathy. Last evaluated: 2023-12-06. Review status: criteria provided, single submitter. Criteria: ACMG Guidelines, 2015. Collection method: clinical testing. Allele origin: unknown.

Women's Health and Genetics/Laboratory Corporation of America, LabCorp
Classification: Pathogenic for GNE myopathy. Last evaluated: 2023-08-31. Review status: criteria provided, single submitter. Criteria: LabCorp Variant Classification Summary - May 2015. Collection method: clinical testing. Allele origin: germline.
Comment: Variant summary: GNE c.131G>C (p.Cys44Ser), also referred to as c.89G>C (p.Cys13Ser) in the literature, results in a non-conservative amino acid change located in the UDP-N-acetylglucosamine 2-epimerase domain (IPR003331) of the encoded protein sequence. Five of five in-silico tools predict a damaging effect of the variant on protein function. The variant was absent in 251418 control chromosomes (gnomAD). c.131G>C has been reported in the literature as a biallelic genotype in multiple individuals affected with Inclusion Body Myopathy 2/Distal Myopathy with Rimmed Vacuoles (e.g. Saito_2004, Noguchi_2004, Sim_2013). These data indicate that the variant is very likely to be associated with disease. At least one publication reports experimental evidence evaluating an impact on protein function in vitro and found the UDP-GlcNAc 2-epimerase activity of the variant was approximately 20% of the wild type protein (e.g. Noguchi_2004). The following publications have been ascertained in the context of this evaluation (PMID: 14707127, 14733963, 23549799). Four submitters have cited clinical-significance assessments for this variant to ClinVar after 2014. All submitters classified the variant as pathogenic. Based on the evidence outlined above, the variant was classified as pathogenic.

Eurofins Ntd Llc (ga)
Classification: Pathogenic. Last evaluated: 2016-11-15. Review status: criteria provided, single submitter. Criteria: EGL Classification Definitions 2015. Collection method: clinical testing. Allele origin: germline. Observed: 14 variant alleles, 12 heterozygotes, 2 homozygotes.

Counsyl
Classification: Pathogenic for GNE myopathy. Last evaluated: 2019-06-27. Review status: no assertion criteria provided. Collection method: clinical testing. Allele origin: unknown. Not counted in ClinVar's aggregate classification.

Department of Rehabilitation Medicine, Incheon St. Mary’s Hospital, College of Medicine, The Catholic University of Korea
Classification: Pathogenic for GNE myopathy. Last evaluated: 2019-02-11. Review status: no assertion criteria provided. Collection method: research. Allele origin: unknown. Inheritance: Autosomal recessive inheritance. Affected: yes. Observed: 1 heterozygote. Not counted in ClinVar's aggregate classification.

GeneReviews
No classification provided. Condition: GNE myopathy. Review status: no classification provided. Collection method: literature only. Allele origin: germline. Not counted in ClinVar's aggregate classification.

Literature cited by the submitters: PubMed 31286697 (cited by Natera, Inc. and Labcorp Genetics (formerly Invitae), Labcorp); PubMed 14707127 (cited by 3 submitters); PubMed 14733962 (cited by Labcorp Genetics (formerly Invitae), Labcorp); PubMed 22507750 (cited by Labcorp Genetics (formerly Invitae), Labcorp and Eurofins Ntd Llc (ga)); PubMed 27363342 (cited by Labcorp Genetics (formerly Invitae), Labcorp); PubMed 28403181 (cited by Labcorp Genetics (formerly Invitae), Labcorp); PubMed 30390020 (cited by Labcorp Genetics (formerly Invitae), Labcorp); PubMed 14733963 (cited by Women's Health and Genetics/Laboratory Corporation of America, LabCorp and Eurofins Ntd Llc (ga)); PubMed 23549799 (cited by Women's Health and Genetics/Laboratory Corporation of America, LabCorp); PubMed 16372135 (cited by Eurofins Ntd Llc (ga)); PubMed 25986339 (cited by Counsyl); PubMed 22883483 (cited by Counsyl); PubMed 24027297 (cited by Counsyl); PubMed 24796702 (cited by GeneReviews); PubMed 24695763 (cited by GeneReviews); PubMed 27858732 (cited by GeneReviews); PubMed 20301439 (cited by GeneReviews).